The following is an entry in ClinVar:

NM_000465.4(BARD1):c.1678-12T>C

Gene: BARD1 (BRCA1 associated RING domain 1; minus strand). Cytogenetic location: 2q35.
Variant type: single nucleotide variant.
Coding change: c.1678-12T>C on transcript NM_000465.4 (MANE Select); 12 bases into the intron before coding-DNA position 1678, T replaced by C.
Molecular consequence: intron variant.
Genome position (GRCh38, 1-based): chr2:214,745,866, A>G on the plus strand (T>C on the coding strand, the complement: BARD1 is on the minus strand). VCF-style: chr2-214745866-A-G. GRCh37 (hg19) VCF-style: chr2-215610590-A-G.
Other names: c.268-12T>C (NM_001282548.2); c.1621-12T>C (NM_001282543.2); c.325-12T>C (NM_001282545.2); c.365-15358T>C (NM_001282549.2).
Identifiers: ClinVar variation 2166141 (VCV002166141.7), dbSNP rs1553615187, ClinGen allele CA2580065626.

ClinVar aggregate classification (germline): Likely benign. Review status: criteria provided, multiple submitters, no conflicts (2 of 4 stars). 3 submissions from 3 submitters: Likely benign (3). Last evaluated 2024-07-26.

Conditions:
Hereditary cancer-predisposing syndrome. Also called: Hereditary neoplastic syndrome; Neoplastic Syndromes, Hereditary; Hereditary Cancer Syndrome; Tumor predisposition. Identifiers: Orphanet 140162, MedGen C0027672, MeSH D009386, MONDO:0015356.
Familial cancer of breast. Also called: Hereditary breast cancer; BREAST CANCER, FAMILIAL; hereditary breast carcinoma. Identifiers: Orphanet 227535, MedGen C0346153, MONDO:0016419, OMIM 114480. Disease mechanism: loss of function.

Submissions (3):

Myriad Genetics, Inc.
Classification: Likely benign for Familial cancer of breast. Last evaluated: 2024-07-26. Review status: criteria provided, single submitter. Criteria: Myriad Autosomal Dominant, Autosomal Recessive and X-Linked Classification Criteria (2023). Collection method: clinical testing. Allele origin: unknown.
Comment: This variant is considered likely benign. This variant is intronic and is not expected to impact mRNA splicing.

Color Diagnostics, LLC DBA Color Health
Classification: Likely benign for Hereditary cancer-predisposing syndrome. Last evaluated: 2022-05-16. Review status: criteria provided, single submitter. Criteria: ACMG Guidelines, 2015. Collection method: clinical testing. Allele origin: germline.

Labcorp Genetics (formerly Invitae), Labcorp
Classification: Likely benign for Familial cancer of breast. Last evaluated: 2022-03-11. Review status: criteria provided, single submitter. Criteria: Invitae Variant Classification Sherloc (09022015). Collection method: clinical testing. Allele origin: germline.